The following is an entry in ClinVar:

ClinVar aggregate classification (germline): Uncertain significance (1 of 4 stars; one submission).

Conditions:
Inborn genetic diseases. Identifiers: MedGen C0950123, MeSH D030342.

Submission:

Ambry Genetics
Classification: Uncertain significance for Inborn genetic diseases. Last evaluated: 2022-09-10. Review status: criteria provided, single submitter. Criteria: Ambry Variant Classification Scheme 2023. Collection method: clinical testing. Allele origin: germline.
Comment: The p.Q222P variant (also known as c.665A>C), located in coding exon 3 of the LTBP3 gene, results from an A to C substitution at nucleotide position 665. The glutamine at codon 222 is replaced by proline, an amino acid with similar properties. This amino acid position is conserved. In addition, the in silico prediction for this alteration is inconclusive. Since supporting evidence is limited at this time, the clinical significance of this alteration remains unclear.

NM_001130144.3(LTBP3):c.665A>C (p.Gln222Pro)

Gene: LTBP3 (latent transforming growth factor beta binding protein 3; minus strand). Cytogenetic location: 11q13.1.
Variant type: single nucleotide variant.
Coding change: c.665A>C on transcript NM_001130144.3 (MANE Select); coding-DNA position 665, A replaced by C.
Protein change: p.Gln222Pro; replaces glutamine 222 with proline.
Molecular consequence: missense variant.
Genome position (GRCh38, 1-based): chr11:65,553,900, T>G on the plus strand (A>C on the coding strand, the complement: LTBP3 is on the minus strand). VCF-style: chr11-65553900-T-G. GRCh37 (hg19) VCF-style: chr11-65321371-T-G.
Other names: c.314A>C, p.Gln105Pro (NM_001164266.1); c.665A>C, p.Gln222Pro (NM_021070.4); short protein forms Q105P, Q222P.
Identifiers: ClinVar variation 1754719 (VCV001754719.2), dbSNP rs1856709685, ClinGen allele CA381276129.